The following is an entry in ClinVar:

NM_001130438.3(SPTAN1):c.4835G>T (p.Arg1612Leu)

Gene: SPTAN1 (spectrin alpha, non-erythrocytic 1; plus strand). Cytogenetic location: 9q34.11.
Variant type: single nucleotide variant.
Coding change: c.4835G>T on transcript NM_001130438.3 (MANE Select); coding-DNA position 4835, G replaced by T.
Protein change: p.Arg1612Leu; replaces arginine 1612 with leucine.
Molecular consequence: missense variant.
Genome position (GRCh38, 1-based): chr9:128,611,775, G>T. VCF-style: chr9-128611775-G-T. GRCh37 (hg19) VCF-style: chr9-131374054-G-T.
Other names: c.4760G>T, p.Arg1587Leu (NM_001195532.2); c.4835G>T, p.Arg1612Leu (NM_001363759.2, NM_001375310.1, NM_001375311.2 and 1 more transcripts); c.4775G>T, p.Arg1592Leu (NM_001363765.2, NM_001375314.2); c.4871G>T, p.Arg1624Leu (NM_001375312.2, NM_001375318.1); c.4820G>T, p.Arg1607Leu (NM_003127.4); short protein forms R1612L, R1607L, R1624L, R1587L, R1592L.
Identifiers: ClinVar variation 3679253 (VCV003679253.2).
Genomic context (GRCh38, chr9:128,611,775, plus strand): 5'-GCAAGCACCAGAAGCACCAGGCTTTTGAAGCAGAGCTGCATGCCAACGCTGACCGGATCC[G>T]TGGGGTTATCGACATGGGCAACTCCCTCATTGAACGTGGAGCCTGTGCCGGCAGTGAGGA-3'
Protein context (NP_001123910.1, residues 1602-1622): AELHANADRI[Arg1612Leu]GVIDMGNSLI

ClinVar aggregate classification (germline): Uncertain significance (1 of 4 stars; one submission).

Conditions:
Early-infantile DEE. Also called: Ohtahara syndrome; Early infantile epileptic encephalopathy with suppression bursts; Early infantile epileptic encephalopathy. Identifiers: Orphanet 1934, MedGen C0393706, MONDO:0800491.

Submission:

Labcorp Genetics (formerly Invitae), Labcorp
Classification: Uncertain significance for Early-infantile DEE. Last evaluated: 2024-05-21. Review status: criteria provided, single submitter. Criteria: Invitae Variant Classification Sherloc (09022015). Collection method: clinical testing. Allele origin: germline.
Comment: This sequence change replaces arginine, which is basic and polar, with leucine, which is neutral and non-polar, at codon 1612 of the SPTAN1 protein (p.Arg1612Leu). This variant is not present in population databases (gnomAD no frequency). This variant has not been reported in the literature in individuals affected with SPTAN1-related conditions. Advanced modeling of protein sequence and biophysical properties (such as structural, functional, and spatial information, amino acid conservation, physicochemical variation, residue mobility, and thermodynamic stability) has been performed at Invitae for this missense variant, however the output from this modeling did not meet the statistical confidence thresholds required to predict the impact of this variant on SPTAN1 protein function. In summary, the available evidence is currently insufficient to determine the role of this variant in disease. Therefore, it has been classified as a Variant of Uncertain Significance.